The following is an entry in ClinVar:

NM_002878.4(RAD51D):c.733G>C (p.Val245Leu)

Genes: RAD51D (RAD51 paralog D; minus strand), RAD51L3-RFFL (RAD51L3-RFFL readthrough; minus strand). Cytogenetic location: 17q12.
Variant type: single nucleotide variant.
Coding change: c.733G>C on transcript NM_002878.4 (MANE Select); coding-DNA position 733, G replaced by C.
Protein change: p.Val245Leu; replaces valine 245 with leucine.
Molecular consequence: missense variant. On other transcripts: non-coding transcript variant (3).
Genome position (GRCh38, 1-based): chr17:35,103,259, C>G on the plus strand (G>C on the coding strand, the complement: RAD51D is on the minus strand). VCF-style: chr17-35103259-C-G. GRCh37 (hg19) VCF-style: chr17-33430278-C-G.
Other names: c.793G>C, p.Val265Leu (NM_001142571.2); c.397G>C, p.Val133Leu (NM_133629.3); short protein forms V265L, V133L, V245L.
Identifiers: ClinVar variation 4768987 (VCV004768987.1).
Genomic context (GRCh38, chr17:35,103,259, plus strand): 5'-TAAAGAGCTCGCAATAACTAGAAATCAAGTTCATTGGCCAAGCCTGCTTCCTCACCACCA[C>G]TGCCATGCCAAGGTCCCGGGCCAGGGTCTTCAGCTCTCGGGCCAGCTGCATCATCAAGGC-3'
Protein context (NP_002869.3, residues 235-255): KTLARDLGMA[Val245Leu]VVTNHITRDR

ClinVar aggregate classification (germline): Uncertain significance (1 of 4 stars; one submission).

Conditions:
Breast-ovarian cancer, familial, susceptibility to, 4. Identifiers: Orphanet 145, MedGen C3280345, MONDO:0013669, OMIM 614291.

Submission:

Labcorp Genetics (formerly Invitae), Labcorp
Classification: Uncertain significance for Breast-ovarian cancer, familial, susceptibility to, 4. Last evaluated: 2025-07-06. Review status: criteria provided, single submitter. Criteria: Invitae Variant Classification Sherloc (09022015). Collection method: clinical testing. Allele origin: germline.
Comment: This sequence change replaces valine, which is neutral and non-polar, with leucine, which is neutral and non-polar, at codon 245 of the RAD51D protein (p.Val245Leu). This variant is not present in population databases (gnomAD no frequency). This variant has not been reported in the literature in individuals affected with RAD51D-related conditions. Invitae Evidence Modeling of protein sequence and biophysical properties (such as structural, functional, and spatial information, amino acid conservation, physicochemical variation, residue mobility, and thermodynamic stability) indicates that this missense variant is not expected to disrupt RAD51D protein function with a negative predictive value of 80%. In summary, the available evidence is currently insufficient to determine the role of this variant in disease. Therefore, it has been classified as a Variant of Uncertain Significance.